The following is an entry in ClinVar:

ClinVar aggregate classification (germline): Benign/Likely benign. Review status: criteria provided, multiple submitters, no conflicts (2 of 4 stars). 8 submissions from 8 submitters: Benign (4); Likely benign (4). Last evaluated 2026-01-28.

Conditions:
Inborn genetic diseases. Identifiers: MedGen C0950123, MeSH D030342.
Pontoneocerebellar hypoplasia. Also called: Pontocerebellar hypoplasia; Non-syndromic pontocerebellar hypoplasia. Identifiers: Orphanet 98523, MedGen C1261175, MONDO:0020135.

Allele frequency attached by ClinVar (database versions not stated): 1000 Genomes Project 30x 0.00156; ExAC 0.00158; 1000 Genomes Project 0.00200; TOPMed 0.00345.
gnomAD v4.1: 829 of 1,550,704 alleles (0.053%); highest among the groups gnomAD compares: African/African-American, 1%; 7 homozygotes.

Submissions (8):

Labcorp Genetics (formerly Invitae), Labcorp
Classification: Benign. Last evaluated: 2026-01-28. Review status: criteria provided, single submitter. Criteria: Invitae Variant Classification Sherloc (09022015). Collection method: clinical testing. Allele origin: germline.

Ambry Genetics
Classification: Likely benign for Inborn genetic diseases. Last evaluated: 2025-12-16. Review status: criteria provided, single submitter. Criteria: Ambry Variant Classification Scheme 2023. Collection method: clinical testing. Allele origin: germline.

ARUP Laboratories, Molecular Genetics and Genomics, ARUP Laboratories
Classification: Likely benign. Last evaluated: 2024-09-17. Review status: criteria provided, single submitter. Criteria: ARUP Molecular Germline Variant Investigation Process 2024. Collection method: clinical testing. Allele origin: germline.

GeneDx
Classification: Benign. Last evaluated: 2020-03-09. Review status: criteria provided, single submitter. Criteria: GeneDx Variant Classification Process June 2021. Collection method: clinical testing. Allele origin: germline. Affected: yes.

Genetic Services Laboratory, University of Chicago
Classification: Benign. Last evaluated: 2019-05-21. Review status: criteria provided, single submitter. Criteria: ACMG Guidelines, 2015. Collection method: clinical testing. Allele origin: germline. Affected: no.

Eurofins Ntd Llc (ga)
Classification: Benign. Last evaluated: 2018-06-20. Review status: criteria provided, single submitter. Criteria: EGL ClinVar v180209 classification definitions. Collection method: clinical testing. Allele origin: germline. Observed: 2 variant alleles, 2 heterozygotes.

Illumina Laboratory Services, Illumina
Classification: Likely benign for Pontoneocerebellar hypoplasia. Last evaluated: 2018-01-12. Review status: criteria provided, single submitter. Criteria: ICSL Variant Classification Criteria 13 December 2019. Collection method: clinical testing. Allele origin: germline.
Comment: This variant was observed in the ICSL laboratory as part of a predisposition screen in an ostensibly healthy population. It had not been previously curated by ICSL or reported in the Human Gene Mutation Database (HGMD: prior to June 1st, 2018), and was therefore a candidate for classification through an automated scoring system. Utilizing variant allele frequency, disease prevalence and penetrance estimates, and inheritance mode, an automated score was calculated to assess if this variant is too frequent to cause the disease. Based on the score and internal cut-off values, a variant classified as likely benign is not then subjected to further curation. The score for this variant resulted in a classification of likely benign for this disease.

Breakthrough Genomics
Classification: Likely benign. Review status: criteria provided, single submitter. Criteria: ACMG Guidelines, 2015. Collection method: not provided. Allele origin: germline. Inheritance: Autosomal recessive inheritance. Affected: yes.

NM_207346.3(TSEN54):c.1120C>G (p.Arg374Gly)

Gene: TSEN54 (tRNA splicing endonuclease subunit 54; plus strand). Cytogenetic location: 17q25.1.
Variant type: single nucleotide variant.
Coding change: c.1120C>G on transcript NM_207346.3 (MANE Select); coding-DNA position 1120, C replaced by G.
Protein change: p.Arg374Gly; replaces arginine 374 with glycine.
Molecular consequence: missense variant.
Genome position (GRCh38, 1-based): chr17:75,522,201, C>G. VCF-style: chr17-75522201-C-G. GRCh37 (hg19) VCF-style: chr17-73518282-C-G.
Other names: short protein forms R374G.
Identifiers: ClinVar variation 198938 (VCV000198938.29), dbSNP rs201351319, ClinGen allele CA247855.
Genomic context (GRCh38, chr17:75,522,201, plus strand): 5'-GAGCACCACGCGGAGGCCGCGCAGTTCCAGGAAGATGTCAACGCCGATCCCGAGGTGCAG[C>G]GGTGCTCCAGCTGGCGGGAGTACAAGGAGCTGCTGCAGCGGCGGCAGGTGCAGAGGAGCC-3'
Protein context (NP_997229.2, residues 364-384): EDVNADPEVQ[Arg374Gly]CSSWREYKEL